The following is an entry in ClinVar:

NM_001089.3(ABCA3):c.2938C>T (p.Gln980Ter)

Gene: ABCA3 (ATP binding cassette subfamily A member 3; minus strand). Cytogenetic location: 16p13.3.
Variant type: single nucleotide variant.
Coding change: c.2938C>T on transcript NM_001089.3 (MANE Select); coding-DNA position 2938, C replaced by T.
Protein change: p.Gln980Ter; replaces glutamine 980 with a stop codon.
Molecular consequence: nonsense.
Genome position (GRCh38, 1-based): chr16:2,288,092, G>A on the plus strand (C>T on the coding strand, the complement: ABCA3 is on the minus strand). VCF-style: chr16-2288092-G-A. GRCh37 (hg19) VCF-style: chr16-2338093-G-A.
Other names: short protein forms Q980*.
Identifiers: ClinVar variation 5015009 (VCV005015009.1).

ClinVar aggregate classification (germline): Pathogenic (1 of 4 stars; one submission).

Conditions:
Interstitial lung disease due to ABCA3 deficiency. Also called: PULMONARY ALVEOLAR PROTEINOSIS, CONGENITAL, 3. Identifiers: Orphanet 440402, MedGen C1970456, MONDO:0012582, OMIM 610921.

Submission:

Myriad Genetics, Inc.
Classification: Pathogenic for Interstitial lung disease due to ABCA3 deficiency. Last evaluated: 2025-09-22. Review status: criteria provided, single submitter. Criteria: Myriad Autosomal Dominant, Autosomal Recessive and X-Linked Classification Criteria (2023). Collection method: clinical testing. Allele origin: unknown.
Comment: NM_001089.2(ABCA3):c.2938C>T(Q980*) is expected to be pathogenic in the context of surfactant deficiency, ABCA3-related. This variant is predicted to lead to an abnormal or absent protein product due to the creation of a premature termination codon in ABCA3, a gene where loss-of-function variants are known to be pathogenic. Please note: this variant was assessed in the context of healthy population screening.